The following is an entry in ClinVar:

ClinVar aggregate classification (germline): Uncertain significance (1 of 4 stars; one submission).

Conditions:
Hereditary cancer-predisposing syndrome. Also called: Neoplastic Syndromes, Hereditary; Tumor predisposition; Hereditary neoplastic syndrome; Hereditary Cancer Syndrome. Identifiers: Orphanet 140162, MedGen C0027672, MeSH D009386, MONDO:0015356.

Submission:

Ambry Genetics
Classification: Uncertain significance for Hereditary cancer-predisposing syndrome. Last evaluated: 2026-07-07. Review status: criteria provided, single submitter. Criteria: Ambry Variant Classification Scheme 2023. Collection method: clinical testing. Allele origin: germline.
Comment: The p.G56A variant (also known as c.167G>C), located in coding exon 1 of the MSH6 gene, results from a G to C substitution at nucleotide position 167. The glycine at codon 56 is replaced by alanine, an amino acid with similar properties. This amino acid position is conserved. In addition, this alteration is predicted to be tolerated by in silico analysis. Based on the available evidence, the clinical significance of this variant remains unclear.

NM_000179.3(MSH6):c.167G>C (p.Gly56Ala)

Gene: MSH6 (mutS homolog 6; plus strand). Cytogenetic location: 2p16.3.
Variant type: single nucleotide variant.
Coding change: c.167G>C on transcript NM_000179.3 (MANE Select); coding-DNA position 167, G replaced by C.
Protein change: p.Gly56Ala; replaces glycine 56 with alanine.
Molecular consequence: missense variant. On other transcripts: 5 prime UTR variant (7), non-coding transcript variant (5), intron variant (5).
Genome position (GRCh38, 1-based): chr2:47,783,400, G>C. VCF-style: chr2-47783400-G-C. GRCh37 (hg19) VCF-style: chr2-48010539-G-C.
Other names: c.-762G>C (NM_001406807.1); c.167G>C, p.Gly56Ala (NM_001406808.1, NM_001406809.1, NM_001406813.1 and 9 more transcripts); c.-570G>C (NM_001406811.1, NM_001281493.2); c.-417G>C (NM_001406812.1); c.-828G>C (NM_001406814.1); c.-373G>C (NM_001406816.1); c.-38+169G>C (NM_001406805.1, NM_001406797.1, NM_001406801.1); c.-69+169G>C (NM_001406806.1); and 3 more; short protein forms G38R, G56A.
Identifiers: ClinVar variation 5024905 (VCV005024905.1).
Genomic context (GRCh38, chr2:47,783,400, plus strand): 5'-CTGCCCCCGGGGCCTCTCCTTCCCCAGGCGGGGATGCGGCCTGGAGCGAGGCTGGGCCTG[G>C]GCCCAGGCCCTTGGCGCGCTCCGCGTCACCGCCCAAGGCGAAGAACCTCAACGGAGGGCT-3'
Protein context (NP_000170.1, residues 46-66): GDAAWSEAGP[Gly56Ala]PRPLARSASP